The following is an entry in ClinVar:

NM_001278064.2(GRM1):c.950+8TC[22]

Gene: GRM1 (glutamate metabotropic receptor 1; plus strand). Cytogenetic location: 6q24.3.
Variant type: Microsatellite.
Coding change: c.950+8TC[22] on transcript NM_001278064.2 (MANE Select); 22 copies in a row of the 2-base unit TC starting at c.950+8; the reference has 19 copies in a row; three copies, 6 bases duplicated.
Molecular consequence: intron variant.
Genome position (GRCh38, 1-based): chr6:146,159,637-146,159,642, TCTCTC duplicated; duplicating any 6 consecutive bases within chr6:146,159,605-146,159,642 gives the same sequence; the position shown is the placement nearest the transcript's 3' end. VCF-style (leftmost placement, unchanged base first): chr6-146159604-T-TTCTCTC. GRCh37 (hg19) VCF-style: chr6-146480740-T-TTCTCTC.
Other names: p.?; c.950+40_950+45dup (NM_001278064.2); c.950+8TC[22] (NM_001278065.2, NM_001278066.1, NM_001278067.1).
Identifiers: ClinVar variation 2059560 (VCV002059560.5), dbSNP rs72225459, ClinGen allele CA820323664.

ClinVar aggregate classification (germline): Conflicting classifications of pathogenicity. Review status: criteria provided, conflicting classifications (1 of 4 stars). 3 submissions from 3 submitters: Uncertain significance (1); Likely benign (2). Last evaluated 2025-04-15.

Conditions:
Autosomal recessive spinocerebellar ataxia 13. Identifiers: Orphanet 324262, MedGen C3553816, MONDO:0013905, OMIM 614831.

Submissions (3):

Mayo Clinic Laboratories, Mayo Clinic
Classification: Likely benign. Last evaluated: 2025-04-15. Review status: criteria provided, single submitter. Criteria: ACMG Guidelines, 2015. Collection method: clinical testing. Allele origin: germline. Observed: 1 variant allele.
Comment: BS1, BP4, BP7

Genomic Medicine Center of Excellence, King Faisal Specialist Hospital and Research Centre
Classification: Uncertain significance for Autosomal recessive spinocerebellar ataxia 13. Last evaluated: 2024-03-26. Review status: criteria provided, single submitter. Criteria: ACMG Guidelines, 2015. Collection method: clinical testing. Allele origin: germline.

Labcorp Genetics (formerly Invitae), Labcorp
Classification: Likely benign. Last evaluated: 2023-10-23. Review status: criteria provided, single submitter. Criteria: Invitae Variant Classification Sherloc (09022015). Collection method: clinical testing. Allele origin: germline.